The following is an entry in ClinVar:

NM_003737.4(DCHS1):c.8111C>T (p.Pro2704Leu)

Gene: DCHS1 (dachsous cadherin-related 1; minus strand). Cytogenetic location: 11p15.4.
Variant type: single nucleotide variant.
Coding change: c.8111C>T on transcript NM_003737.4 (MANE Select); coding-DNA position 8111, C replaced by T.
Protein change: p.Pro2704Leu; replaces proline 2704 with leucine.
Molecular consequence: missense variant.
Genome position (GRCh38, 1-based): chr11:6,623,565, G>A on the plus strand (C>T on the coding strand, the complement: DCHS1 is on the minus strand). VCF-style: chr11-6623565-G-A. GRCh37 (hg19) VCF-style: chr11-6644796-G-A.
Other names: short protein forms P2704L.
Identifiers: ClinVar variation 1480712 (VCV001480712.8), dbSNP rs1365986383, ClinGen allele CA379481695.

ClinVar aggregate classification (germline): Uncertain significance (1 of 4 stars; one submission).

Allele frequency attached by ClinVar (database versions not stated): TOPMed below 0.00001; gnomAD 0.00001.
gnomAD v4.1: 1 of 1,613,226 alleles (0.000062%); highest among the groups gnomAD compares: Admixed American, 0.0017%; no homozygotes.

Submission:

Labcorp Genetics (formerly Invitae), Labcorp
Classification: Uncertain significance. Last evaluated: 2023-11-01. Review status: criteria provided, single submitter. Criteria: Invitae Variant Classification Sherloc (09022015). Collection method: clinical testing. Allele origin: germline.
Comment: This sequence change replaces proline, which is neutral and non-polar, with leucine, which is neutral and non-polar, at codon 2704 of the DCHS1 protein (p.Pro2704Leu). This variant is not present in population databases (gnomAD no frequency). This variant has not been reported in the literature in individuals affected with DCHS1-related conditions. ClinVar contains an entry for this variant (Variation ID: 1480712). Advanced modeling of protein sequence and biophysical properties (such as structural, functional, and spatial information, amino acid conservation, physicochemical variation, residue mobility, and thermodynamic stability) performed at Invitae indicates that this missense variant is not expected to disrupt DCHS1 protein function with a negative predictive value of 80%. In summary, the available evidence is currently insufficient to determine the role of this variant in disease. Therefore, it has been classified as a Variant of Uncertain Significance.